The following is an entry in ClinVar:

ClinVar aggregate classification (germline): Conflicting classifications of pathogenicity. Review status: criteria provided, conflicting classifications (1 of 4 stars). 4 submissions from 4 submitters: Uncertain significance (3); Likely benign (1). Last evaluated 2025-12-31.

Conditions:
Hereditary spastic paraplegia 30. Identifiers: Orphanet 101010, MedGen C5235139, MONDO:0012476.
Intellectual disability, autosomal dominant 9 (NESCAVS). Also called: KIF1A-Related Neurodevelopmental Disorder; NESCAV SYNDROME. Identifiers: Orphanet 662367, MedGen C5393830, MONDO:0013656, OMIM 614255.
Neuropathy, hereditary sensory, type 2C. Also called: KIF1A-Related HSAN2 (HSAN2C); Hereditary sensory and autonomic neuropathy type IIC. Identifiers: Orphanet 970, MedGen C3280168, MONDO:0013634, OMIM 614213.
KIF1A-related disorder. Also called: KIF1A-related disorders; KIF1A-related condition.

Allele frequency attached by ClinVar (database versions not stated): TOPMed below 0.00001; gnomAD 0.00002; gnomAD exomes 0.00002.
gnomAD v4.1: 35 of 1,610,790 alleles (0.0022%); highest among the groups gnomAD compares: Non-Finnish European, 0.0025%; no homozygotes.

Submissions (4):

PreventionGenetics, part of Exact Sciences
Classification: Uncertain significance for KIF1A-related condition. Last evaluated: 2025-12-31. Review status: criteria provided, single submitter. Criteria: ACMG Guidelines, 2015. Collection method: clinical testing. Allele origin: germline.
Comment: The KIF1A c.4207C>T variant is predicted to result in the amino acid substitution p.Arg1403Cys. To our knowledge, this variant has not been reported in the literature. This variant is reported in 0.0052% of alleles in individuals of East Asian descent in gnomAD. At this time, the clinical significance of this variant is uncertain due to the absence of conclusive functional and genetic evidence.

CeGaT Center for Human Genetics Tuebingen
Classification: Uncertain significance. Last evaluated: 2025-11-01. Review status: criteria provided, single submitter. Criteria: CeGaT Center For Human Genetics Tuebingen Variant Classification Criteria Version 2. Collection method: clinical testing. Allele origin: germline. Affected: yes. Observed: 1 variant allele.
Comment: KIF1A: PM2, PP3

GeneDx
Classification: Uncertain significance. Last evaluated: 2025-06-26. Review status: criteria provided, single submitter. Criteria: GeneDx Variant Classification Process June 2021. Collection method: clinical testing. Allele origin: germline. Affected: yes.
Comment: In silico analysis supports that this missense variant has a deleterious effect on protein structure/function; Has not been previously published as pathogenic or benign to our knowledge

Labcorp Genetics (formerly Invitae), Labcorp
Classification: Likely benign for Hereditary spastic paraplegia 30; Neuropathy, hereditary sensory, type 2C; Intellectual disability, autosomal dominant 9. Last evaluated: 2024-08-27. Review status: criteria provided, single submitter. Criteria: Invitae Variant Classification Sherloc (09022015). Collection method: clinical testing. Allele origin: germline.

NM_001244008.2(KIF1A):c.4207C>T (p.Arg1403Cys)

Gene: KIF1A (kinesin family member 1A; minus strand). Cytogenetic location: 2q37.3.
Variant type: single nucleotide variant.
Coding change: c.4207C>T on transcript NM_001244008.2 (MANE Select); coding-DNA position 4207, C replaced by T.
Protein change: p.Arg1403Cys; replaces arginine 1403 with cysteine.
Molecular consequence: missense variant.
Genome position (GRCh38, 1-based): chr2:240,725,320, G>A on the plus strand (C>T on the coding strand, the complement: KIF1A is on the minus strand). VCF-style: chr2-240725320-G-A. GRCh37 (hg19) VCF-style: chr2-241664737-G-A.
Other names: c.3904C>T (NM_004321.6); c.3931C>T, p.Arg1311Cys (NM_001320705.2, NM_001379649.1); c.3958C>T, p.Arg1320Cys (NM_001330289.2); c.4006C>T, p.Arg1336Cys (NM_001330290.2, NM_001379648.1); c.4282C>T, p.Arg1428Cys (NM_001379631.1); c.4183C>T, p.Arg1395Cys (NM_001379632.1); c.4180C>T, p.Arg1394Cys (NM_001379633.1, NM_001379645.1); c.4033C>T, p.Arg1345Cys (NM_001379634.1); and 8 more; short protein forms R1320C, R1327C, R1336C, R1394C, R1395C, R1403C, R1301C, R1310C.
Identifiers: ClinVar variation 1941001 (VCV001941001.16), dbSNP rs1261842321, ClinGen allele CA351307105.